The following is an entry in ClinVar:

ClinVar aggregate classification (germline): Uncertain significance. Review status: criteria provided, single submitter (1 of 4 stars). 2 submissions from 2 submitters: Uncertain significance (1). 1 of the submissions does not count toward it. Last evaluated 2022-10-17.

Conditions:
MPDZ-related disorder. Also called: MPDZ-related condition.

Allele frequency attached by ClinVar (database versions not stated): gnomAD exomes 0.00002 and 0.00010; ExAC 0.00011; ESP Exome Variant Server 0.00024; 1000 Genomes Project 30x 0.00031; TOPMed 0.00036; gnomAD 0.00037 and 0.00039; 1000 Genomes Project 0.00040.
gnomAD v4.1: 91 of 1,609,300 alleles (0.0057%); highest among the groups gnomAD compares: African/African-American, 0.11%; no homozygotes.

Submissions (2):

Labcorp Genetics (formerly Invitae), Labcorp
Classification: Uncertain significance. Last evaluated: 2022-10-17. Review status: criteria provided, single submitter. Criteria: Invitae Variant Classification Sherloc (09022015). Collection method: clinical testing. Allele origin: germline.
Comment: This sequence change falls in intron 42 of the MPDZ gene. It does not directly change the encoded amino acid sequence of the MPDZ protein. It affects a nucleotide within the consensus splice site. This variant is present in population databases (rs371321660, gnomAD 0.1%). This variant has not been reported in the literature in individuals affected with MPDZ-related conditions. ClinVar contains an entry for this variant (Variation ID: 1426362). Variants that disrupt the consensus splice site are a relatively common cause of aberrant splicing (PMID: 17576681, 9536098). Algorithms developed to predict the effect of sequence changes on RNA splicing suggest that this variant is not likely to affect RNA splicing. In summary, the available evidence is currently insufficient to determine the role of this variant in disease. Therefore, it has been classified as a Variant of Uncertain Significance.

PreventionGenetics, part of Exact Sciences
Classification: Likely benign for MPDZ-related condition. Last evaluated: 2020-10-28. Review status: no assertion criteria provided. Collection method: clinical testing. Allele origin: germline. Not counted in ClinVar's aggregate classification.
Comment: This variant is classified as likely benign based on ACMG/AMP sequence variant interpretation guidelines (Richards et al. 2015 PMID: 25741868, with internal and published modifications).

Literature cited by the submitters: PubMed 17576681 (cited by Labcorp Genetics (formerly Invitae), Labcorp); PubMed 9536098 (cited by Labcorp Genetics (formerly Invitae), Labcorp).

NM_001378778.1(MPDZ):c.5725-3C>T

Gene: MPDZ (multiple PDZ domain crumbs cell polarity complex component; minus strand). Cytogenetic location: 9p23.
Variant type: single nucleotide variant.
Coding change: c.5725-3C>T on transcript NM_001378778.1 (MANE Select); 3 bases into the intron before coding-DNA position 5725, C replaced by T.
Molecular consequence: intron variant.
Genome position (GRCh38, 1-based): chr9:13,110,743, G>A on the plus strand (C>T on the coding strand, the complement: MPDZ is on the minus strand). VCF-style: chr9-13110743-G-A. GRCh37 (hg19) VCF-style: chr9-13110742-G-A.
Other names: c.5428-3C>T (NM_001375425.1, NM_001375426.1); c.5515-3C>T (NM_001375420.1, NM_001375423.1, NM_001375424.1 and 2 more transcripts); c.5539-3C>T (NM_001375419.1, NM_001261407.2); c.5626-3C>T (NM_001375416.1, NM_001375418.1, NM_001261406.2 and 1 more transcripts); c.5725-3C>T (NM_001330637.2); c.5317-3C>T (NM_001375427.1); c.5638-3C>T (NM_003829.5, NM_003829.4); c.5824-3C>T (NM_001375413.1).
Identifiers: ClinVar variation 1426362 (VCV001426362.5), dbSNP rs371321660, ClinGen allele CA4986131.